The following is an entry in ClinVar:

ClinVar aggregate classification (germline): Uncertain significance. Review status: criteria provided, multiple submitters, no conflicts (2 of 4 stars). 2 submissions from 2 submitters: Uncertain significance (2). Last evaluated 2025-12-11.

Conditions:
Inborn genetic diseases. Identifiers: MedGen C0950123, MeSH D030342.

Allele frequency attached by ClinVar (database versions not stated): gnomAD exomes 0.00001 and 0.00002; ExAC 0.00002; gnomAD 0.00002; TOPMed 0.00002.
gnomAD v4.1: 15 of 1,614,028 alleles (0.00093%); highest among the groups gnomAD compares: Admixed American, 0.012%; no homozygotes.

Submissions (2):

Labcorp Genetics (formerly Invitae), Labcorp
Classification: Uncertain significance. Last evaluated: 2025-12-11. Review status: criteria provided, single submitter. Criteria: Invitae Variant Classification Sherloc (09022015). Collection method: clinical testing. Allele origin: germline.
Comment: This sequence change replaces threonine, which is neutral and polar, with isoleucine, which is neutral and non-polar, at codon 553 of the C1S protein (p.Thr553Ile). This variant is present in population databases (rs782043980, gnomAD 0.009%). This variant has not been reported in the literature in individuals affected with C1S-related conditions. ClinVar contains an entry for this variant (Variation ID: 1524871). Invitae Evidence Modeling of protein sequence and biophysical properties (such as structural, functional, and spatial information, amino acid conservation, physicochemical variation, residue mobility, and thermodynamic stability) indicates that this missense variant is not expected to disrupt C1S protein function with a negative predictive value of 80%. In summary, the available evidence is currently insufficient to determine the role of this variant in disease. Therefore, it has been classified as a Variant of Uncertain Significance.

Ambry Genetics
Classification: Uncertain significance for Inborn genetic diseases. Last evaluated: 2025-02-13. Review status: criteria provided, single submitter. Criteria: Ambry Variant Classification Scheme 2023. Collection method: clinical testing. Allele origin: germline.

NM_001734.5(C1S):c.1658C>T (p.Thr553Ile)

Gene: C1S (complement C1s; plus strand). Cytogenetic location: 12p13.31.
Variant type: single nucleotide variant.
Coding change: c.1658C>T on transcript NM_001734.5 (MANE Select); coding-DNA position 1658, C replaced by T.
Protein change: p.Thr553Ile; replaces threonine 553 with isoleucine.
Molecular consequence: missense variant.
Genome position (GRCh38, 1-based): chr12:7,070,242, C>T. VCF-style: chr12-7070242-C-T. GRCh37 (hg19) VCF-style: chr12-7177546-C-T.
Other names: c.1157C>T, p.Thr386Ile (NM_001346850.2); c.1658C>T, p.Thr553Ile (NM_201442.4); c.1658C>T (NM_201442.2); short protein forms T386I, T553I.
Identifiers: ClinVar variation 1524871 (VCV001524871.9), dbSNP rs782043980, ClinGen allele CA6423822.